The following is an entry in ClinVar:

ClinVar aggregate classification (germline): Uncertain significance (1 of 4 stars; one submission).

Submission:

Labcorp Genetics (formerly Invitae), Labcorp
Classification: Uncertain significance. Last evaluated: 2023-07-17. Review status: criteria provided, single submitter. Criteria: Invitae Variant Classification Sherloc (09022015). Collection method: clinical testing. Allele origin: germline.
Comment: This sequence change replaces proline, which is neutral and non-polar, with serine, which is neutral and polar, at codon 517 of the MYO7A protein (p.Pro517Ser). This variant is not present in population databases (gnomAD no frequency). This variant has not been reported in the literature in individuals affected with MYO7A-related conditions. Advanced modeling of protein sequence and biophysical properties (such as structural, functional, and spatial information, amino acid conservation, physicochemical variation, residue mobility, and thermodynamic stability) has been performed at Invitae for this missense variant, however the output from this modeling did not meet the statistical confidence thresholds required to predict the impact of this variant on MYO7A protein function. In summary, the available evidence is currently insufficient to determine the role of this variant in disease. Therefore, it has been classified as a Variant of Uncertain Significance. ClinVar contains an entry for this variant (Variation ID: 968363).

NM_000260.4(MYO7A):c.1549C>T (p.Pro517Ser)

Gene: MYO7A (myosin VIIA; plus strand). Cytogenetic location: 11q13.5.
Variant type: single nucleotide variant.
Coding change: c.1549C>T on transcript NM_000260.4 (MANE Select); coding-DNA position 1549, C replaced by T.
Protein change: p.Pro517Ser; replaces proline 517 with serine.
Molecular consequence: missense variant.
Genome position (GRCh38, 1-based): chr11:77,162,325, C>T. VCF-style: chr11-77162325-C-T. GRCh37 (hg19) VCF-style: chr11-76873371-C-T.
Other names: c.1549C>T, p.Pro517Ser (NM_001127180.2); c.1516C>T, p.Pro506Ser (NM_001369365.1); short protein forms P506S, P517S.
Identifiers: ClinVar variation 968363 (VCV000968363.9), dbSNP rs1953078629, ClinGen allele CA381935842.